The following is an entry in ClinVar:

NM_000465.4(BARD1):c.422A>G (p.Asn141Ser)

Gene: BARD1 (BRCA1 associated RING domain 1; minus strand). Cytogenetic location: 2q35.
Variant type: single nucleotide variant.
Coding change: c.422A>G on transcript NM_000465.4 (MANE Select); coding-DNA position 422, A replaced by G.
Protein change: p.Asn141Ser; replaces asparagine 141 with serine.
Molecular consequence: missense variant. On other transcripts: non-coding transcript variant (2), intron variant (3).
Genome position (GRCh38, 1-based): chr2:214,781,452, T>C on the plus strand (A>G on the coding strand, the complement: BARD1 is on the minus strand). VCF-style: chr2-214781452-T-C. GRCh37 (hg19) VCF-style: chr2-215646176-T-C.
Other names: c.365A>G, p.Asn122Ser (NM_001282543.2); c.158+27960A>G (NM_001282548.2); c.215+15609A>G (NM_001282545.2); c.364+10845A>G (NM_001282549.2); c.422A>G (NM_000465.2); short protein forms N122S, N141S.
Identifiers: ClinVar variation 2122940 (VCV002122940.6), dbSNP rs748479619, ClinGen allele CA2090425.

ClinVar aggregate classification (germline): Uncertain significance. Review status: criteria provided, multiple submitters, no conflicts (2 of 4 stars). 3 submissions from 3 submitters: Uncertain significance (3). Last evaluated 2024-11-11.

Conditions:
Familial cancer of breast. Also called: BREAST CANCER, FAMILIAL; Hereditary breast cancer; hereditary breast carcinoma. Identifiers: Orphanet 227535, MedGen C0346153, MONDO:0016419, OMIM 114480. Disease mechanism: loss of function.
Hereditary cancer-predisposing syndrome. Also called: Hereditary Cancer Syndrome; Tumor predisposition; Neoplastic Syndromes, Hereditary; Hereditary neoplastic syndrome. Identifiers: Orphanet 140162, MedGen C0027672, MeSH D009386, MONDO:0015356.

Allele frequency attached by ClinVar (database versions not stated): ExAC 0.00001.
gnomAD v4.1: 1 of 1,613,238 alleles (0.000062%); highest among the groups gnomAD compares: Non-Finnish European, 0.000085%; no homozygotes.

Submissions (3):

Ambry Genetics
Classification: Uncertain significance for Hereditary cancer-predisposing syndrome. Last evaluated: 2024-11-11. Review status: criteria provided, single submitter. Criteria: Ambry Variant Classification Scheme 2023. Collection method: clinical testing. Allele origin: germline.
Comment: The p.N141S variant (also known as c.422A>G), located in coding exon 4 of the BARD1 gene, results from an A to G substitution at nucleotide position 422. The asparagine at codon 141 is replaced by serine, an amino acid with highly similar properties. This amino acid position is conserved. In addition, this alteration is predicted to be tolerated by in silico analysis. Based on the available evidence, the clinical significance of this variant remains unclear.

Baylor Genetics
Classification: Uncertain significance for Familial cancer of breast. Last evaluated: 2023-12-17. Review status: criteria provided, single submitter. Criteria: ACMG Guidelines, 2015. Collection method: clinical testing. Allele origin: unknown.

Labcorp Genetics (formerly Invitae), Labcorp
Classification: Uncertain significance for Familial cancer of breast. Last evaluated: 2022-04-08. Review status: criteria provided, single submitter. Criteria: Invitae Variant Classification Sherloc (09022015). Collection method: clinical testing. Allele origin: germline.
Comment: Algorithms developed to predict the effect of missense changes on protein structure and function (SIFT, PolyPhen-2, Align-GVGD) all suggest that this variant is likely to be tolerated. In summary, the available evidence is currently insufficient to determine the role of this variant in disease. Therefore, it has been classified as a Variant of Uncertain Significance. This sequence change replaces asparagine, which is neutral and polar, with serine, which is neutral and polar, at codon 141 of the BARD1 protein (p.Asn141Ser). This variant is present in population databases (rs748479619, gnomAD 0.0009%). This variant has not been reported in the literature in individuals affected with BARD1-related conditions.